The following is an entry in ClinVar:

ClinVar aggregate classification (germline): Likely benign (0 of 4 stars; one submission).

Conditions:
TNS1-related disorder. Also called: TNS1-related condition.

gnomAD v4.1: 1 of 1,613,724 alleles (0.000062%); highest among the groups gnomAD compares: African/African-American, 0.0013%; no homozygotes.

Submission:

PreventionGenetics, part of Exact Sciences
Classification: Likely benign for TNS1-related condition. Last evaluated: 2019-06-18. Review status: no assertion criteria provided. Collection method: clinical testing. Allele origin: germline.
Comment: This variant is classified as likely benign based on ACMG/AMP sequence variant interpretation guidelines (Richards et al. 2015 PMID: 25741868, with internal and published modifications).

NM_001387777.1(TNS1):c.5376-8G>T

Gene: TNS1 (tensin 1; minus strand). Cytogenetic location: 2q35.
Variant type: single nucleotide variant.
Coding change: c.5376-8G>T on transcript NM_001387777.1 (MANE Select); 8 bases into the intron before coding-DNA position 5376, G replaced by T.
Molecular consequence: intron variant.
Genome position (GRCh38, 1-based): chr2:217,804,611, C>A on the plus strand (G>T on the coding strand, the complement: TNS1 is on the minus strand). VCF-style: chr2-217804611-C-A. GRCh37 (hg19) VCF-style: chr2-218669334-C-A.
Other names: c.5001-8G>T (NM_001308023.2); c.5064-8G>T (NM_022648.7); c.5022-8G>T (NM_001308022.2).
Identifiers: ClinVar variation 3034351 (VCV003034351.2), dbSNP rs377079698, ClinGen allele CA2099286.
Genomic context (GRCh38, chr2:217,804,611, plus strand): 5'-GGCAGGCGTTGTCCGTGGTGCTGCCCTGCTTCCGGGCCACGAAGCCGAAGAGCCTGCAGG[C>A]GGGAGAGGGCAACGGGCATGAGGGAAGGGCAAGTGGAACCCCAGGAGGTGGACAGCAGCC-3'